The following is an entry in ClinVar:

NM_000260.4(MYO7A):c.5135A>G (p.Tyr1712Cys)

Gene: MYO7A (myosin VIIA; plus strand). Cytogenetic location: 11q13.5.
Variant type: single nucleotide variant.
Coding change: c.5135A>G on transcript NM_000260.4 (MANE Select); coding-DNA position 5135, A replaced by G.
Protein change: p.Tyr1712Cys; replaces tyrosine 1712 with cysteine.
Molecular consequence: missense variant.
Genome position (GRCh38, 1-based): chr11:77,202,391, A>G. VCF-style: chr11-77202391-A-G. GRCh37 (hg19) VCF-style: chr11-76913436-A-G.
Other names: c.5021A>G, p.Tyr1674Cys (NM_001127180.2); c.4988A>G, p.Tyr1663Cys (NM_001369365.1); short protein forms Y1712C, Y1674C, Y1663C.
Identifiers: ClinVar variation 1440228 (VCV001440228.5), dbSNP rs1217341908, ClinGen allele CA381951780.
Genomic context (GRCh38, chr11:77,202,391, plus strand): 5'-AGGACGTTGTCCGGCTCTTGCAGCTGCGAACGGCGGAGCCCGAGGTGCGTGCCAAGCCCT[A>G]CACGCTGGAGGAGTTTTCCTATGACTACTTCAGGTGATGCCTCCTGGGGAAGGATGGGAG-3'
Protein context (NP_000251.3, residues 1702-1722): TAEPEVRAKP[Tyr1712Cys]TLEEFSYDYF

ClinVar aggregate classification (germline): Uncertain significance (1 of 4 stars; one submission).

Allele frequency attached by ClinVar (database versions not stated): gnomAD exomes below 0.00001 and 0.00001.
gnomAD v4.1: 2 of 1,555,116 alleles (0.00013%); highest among the groups gnomAD compares: Non-Finnish European, 0.00017%; no homozygotes.

Submission:

Labcorp Genetics (formerly Invitae), Labcorp
Classification: Uncertain significance. Last evaluated: 2021-09-24. Review status: criteria provided, single submitter. Criteria: Invitae Variant Classification Sherloc (09022015). Collection method: clinical testing. Allele origin: germline.
Comment: This sequence change replaces tyrosine with cysteine at codon 1712 of the MYO7A protein (p.Tyr1712Cys). The tyrosine residue is highly conserved and there is a large physicochemical difference between tyrosine and cysteine. This variant is not present in population databases (ExAC no frequency). This variant has not been reported in the literature in individuals with MYO7A-related conditions. Algorithms developed to predict the effect of missense changes on protein structure and function are either unavailable or do not agree on the potential impact of this missense change (SIFT: "Deleterious"; PolyPhen-2: "Probably Damaging"; Align-GVGD: "Class C0"). In summary, the available evidence is currently insufficient to determine the role of this variant in disease. Therefore, it has been classified as a Variant of Uncertain Significance.